The following is an entry in ClinVar:

ClinVar aggregate classification (germline): Uncertain significance (1 of 4 stars; one submission).

Conditions:
GM3 synthase deficiency (SPDRS). Also called: SALT AND PEPPER MENTAL RETARDATION SYNDROME; AMISH INFANTILE EPILEPSY SYNDROME; SALT AND PEPPER DEVELOPMENTAL REGRESSION SYNDROME. Identifiers: Orphanet 171714, Orphanet 370933, MedGen C1836824, MONDO:0018274, OMIM 609056.

Allele frequency attached by ClinVar (database versions not stated): gnomAD exomes below 0.00001 and 0.00001; TOPMed below 0.00001.

Submission:

Labcorp Genetics (formerly Invitae), Labcorp
Classification: Uncertain significance for GM3 synthase deficiency. Last evaluated: 2021-09-01. Review status: criteria provided, single submitter. Criteria: Invitae Variant Classification Sherloc (09022015). Collection method: clinical testing. Allele origin: germline.
Comment: This sequence change replaces aspartic acid with asparagine at codon 140 of the ST3GAL5 protein (p.Asp140Asn). The aspartic acid residue is highly conserved and there is a small physicochemical difference between aspartic acid and asparagine. This variant is not present in population databases (ExAC no frequency). This variant has not been reported in the literature in individuals affected with ST3GAL5-related conditions. Algorithms developed to predict the effect of missense changes on protein structure and function output the following: SIFT: "Tolerated"; PolyPhen-2: "Benign"; Align-GVGD: "Class C0". The asparagine amino acid residue is found in multiple mammalian species, which suggests that this missense change does not adversely affect protein function. In summary, the available evidence is currently insufficient to determine the role of this variant in disease. Therefore, it has been classified as a Variant of Uncertain Significance.

NM_003896.4(ST3GAL5):c.418G>A (p.Asp140Asn)

Gene: ST3GAL5 (ST3 beta-galactoside alpha-2,3-sialyltransferase 5; minus strand). Cytogenetic location: 2p11.2.
Variant type: single nucleotide variant.
Coding change: c.418G>A on transcript NM_003896.4 (MANE Select); coding-DNA position 418, G replaced by A.
Protein change: p.Asp140Asn; replaces aspartic acid 140 with asparagine.
Molecular consequence: missense variant. On other transcripts: 5 prime UTR variant (1).
Genome position (GRCh38, 1-based): chr2:85,848,105, C>T on the plus strand (G>A on the coding strand, the complement: ST3GAL5 is on the minus strand). VCF-style: chr2-85848105-C-T. GRCh37 (hg19) VCF-style: chr2-86075228-C-T.
Other names: c.349G>A, p.Asp117Asn (NM_001042437.2); c.34G>A, p.Asp12Asn (NM_001354223.2, NM_001354224.2, NM_001354226.2 and 3 more transcripts); c.334G>A, p.Asp112Asn (NM_001354227.2, NM_001354229.2, NM_001354238.1); c.-487G>A (NM_001354247.1); c.418G>A, p.Asp140Asn (NM_001363847.1); short protein forms D12N, D140N, D117N, D112N.
Identifiers: ClinVar variation 934169 (VCV000934169.7), dbSNP rs1159398814, ClinGen allele CA347532671.